The following is an entry in ClinVar:

NM_206937.2(LIG4):c.878G>A (p.Arg293Gln)

Gene: LIG4 (DNA ligase 4; minus strand). Cytogenetic location: 13q33.3.
Variant type: single nucleotide variant.
Coding change: c.878G>A on transcript NM_206937.2 (MANE Select); coding-DNA position 878, G replaced by A.
Protein change: p.Arg293Gln; replaces arginine 293 with glutamine.
Molecular consequence: missense variant.
Genome position (GRCh38, 1-based): chr13:108,210,391, C>T on the plus strand (G>A on the coding strand, the complement: LIG4 is on the minus strand). VCF-style: chr13-108210391-C-T. GRCh37 (hg19) VCF-style: chr13-108862739-C-T.
Other names: c.878G>A, p.Arg293Gln (NM_001098268.2, NM_001352598.2, NM_001352599.2 and 6 more transcripts); c.677G>A, p.Arg226Gln (NM_001330595.2); c.914G>A, p.Arg305Gln (NM_001352604.2); short protein forms R305Q, R226Q, R293Q.
Identifiers: ClinVar variation 644334 (VCV000644334.7), dbSNP rs775560383, ClinGen allele CA7043787.

ClinVar aggregate classification (germline): Uncertain significance. Review status: criteria provided, multiple submitters, no conflicts (2 of 4 stars). 2 submissions from 2 submitters: Uncertain significance (2). Last evaluated 2023-08-22.

Conditions:
DNA ligase IV deficiency. Identifiers: Orphanet 99812, MedGen C1847827, MONDO:0011686, OMIM 606593.

Allele frequency attached by ClinVar (database versions not stated): gnomAD 0.00002 and 0.00003; gnomAD exomes 0.00002; TOPMed 0.00002; ExAC 0.00001.
gnomAD v4.1: 31 of 1,613,586 alleles (0.0019%); highest among the groups gnomAD compares: Admixed American, 0.0067%; no homozygotes.

Submissions (2):

Blueprint Genetics
Classification: Uncertain significance. Last evaluated: 2023-08-22. Review status: criteria provided, single submitter. Criteria: ACMG Guidelines, 2015. Collection method: clinical testing. Allele origin: germline.

Labcorp Genetics (formerly Invitae), Labcorp
Classification: Uncertain significance for DNA ligase IV deficiency. Last evaluated: 2022-04-21. Review status: criteria provided, single submitter. Criteria: Invitae Variant Classification Sherloc (09022015). Collection method: clinical testing. Allele origin: germline.
Comment: This sequence change replaces arginine, which is basic and polar, with glutamine, which is neutral and polar, at codon 293 of the LIG4 protein (p.Arg293Gln). This variant is present in population databases (rs775560383, gnomAD 0.008%). This variant has not been reported in the literature in individuals affected with LIG4-related conditions. ClinVar contains an entry for this variant (Variation ID: 644334). Algorithms developed to predict the effect of missense changes on protein structure and function (SIFT, PolyPhen-2, Align-GVGD) all suggest that this variant is likely to be disruptive. In summary, the available evidence is currently insufficient to determine the role of this variant in disease. Therefore, it has been classified as a Variant of Uncertain Significance.